The following is an entry in ClinVar:

NM_000051.4(ATM):c.879del (p.Gly294fs)

Gene: ATM (ATM serine/threonine kinase; plus strand). Cytogenetic location: 11q22.3.
Variant type: Deletion.
Coding change: c.879del on transcript NM_000051.4 (MANE Select); coding-DNA position 879, one base deleted (A; older notation c.879delA).
Protein change: p.Gly294fs; shifts the reading frame from glycine 294.
Molecular consequence: frameshift variant.
Genome position (GRCh38, 1-based): chr11:108,245,004, A deleted; the last of 3 consecutive A bases (chr11:108,245,002-108,245,004); deleting any one gives the same sequence. VCF-style (leftmost placement, unchanged base first): chr11-108245001-GA-G. GRCh37 (hg19) VCF-style: chr11-108115728-GA-G.
Other names: c.879del, p.Gly294fs (NM_001351834.2); short protein forms G294fs.
Identifiers: ClinVar variation 2431319 (VCV002431319.1), dbSNP rs2497155091, ClinGen allele CA2580082973.

ClinVar aggregate classification (germline): Pathogenic (1 of 4 stars; one submission).

Conditions:
Familial cancer of breast. Also called: Hereditary breast cancer; BREAST CANCER, FAMILIAL; hereditary breast carcinoma. Identifiers: Orphanet 227535, MedGen C0346153, MONDO:0016419, OMIM 114480. Disease mechanism: loss of function.

Submission:

Myriad Genetics, Inc.
Classification: Pathogenic for Familial cancer of breast. Last evaluated: 2023-01-10. Review status: criteria provided, single submitter. Criteria: Myriad Autosomal Dominant, Autosomal Recessive and X-Linked Classification Criteria (2023). Collection method: clinical testing. Allele origin: unknown.
Comment: This variant is considered pathogenic. This variant creates a frameshift predicted to result in premature protein truncation.